The following is an entry in ClinVar:

ClinVar aggregate classification (germline): Uncertain significance. Review status: criteria provided, multiple submitters, no conflicts (2 of 4 stars). 2 submissions from 2 submitters: Uncertain significance (2). Last evaluated 2025-07-28.

Conditions:
Familial thoracic aortic aneurysm and aortic dissection (TAAD). Also called: Thoracic aortic aneurysms and dissections. Identifiers: Orphanet 91387, MedGen C4707243, MONDO:0019625.

Submissions (2):

Labcorp Genetics (formerly Invitae), Labcorp
Classification: Uncertain significance for Familial thoracic aortic aneurysm and aortic dissection. Last evaluated: 2025-07-28. Review status: criteria provided, single submitter. Criteria: Invitae Variant Classification Sherloc (09022015). Collection method: clinical testing. Allele origin: germline.
Comment: This sequence change replaces histidine, which is basic and polar, with arginine, which is basic and polar, at codon 126 of the SMAD3 protein (p.His126Arg). This variant is not present in population databases (gnomAD no frequency). This variant has not been reported in the literature in individuals affected with SMAD3-related conditions. ClinVar contains an entry for this variant (Variation ID: 213802). Invitae Evidence Modeling incorporating data from in vitro experimental studies (internal data) indicates that this missense variant is expected to disrupt SMAD3 function with a positive predictive value of 95%. In summary, the available evidence is currently insufficient to determine the role of this variant in disease. Therefore, it has been classified as a Variant of Uncertain Significance.

GeneDx
Classification: Uncertain significance. Last evaluated: 2017-11-27. Review status: criteria provided, single submitter. Criteria: GeneDx Variant Classification (06012015). Collection method: clinical testing. Allele origin: germline. Affected: yes.
Comment: p.His126Arg (CAC>CGC): c.377 A>G in exon 2 of the SMAD3 gene (NM_005902.3). A variant of unknown significance has been identified in the SMAD3 gene. The H126R variant has not been published as a mutation, nor has it been reported as a benign polymorphism to our knowledge. The H126R variant was not observed in approximately 6,500 individuals of European and African American ancestry in the NHLBI Exome Sequencing Project, indicating it is not a common benign variant in these populations. Furthermore, this substitution occurs at a position that is conserved across species and in silico analysis predicts this variant is probably damaging to the protein structure/function. However, the H126R variant is a conservative amino acid substitution, which is not likely to impact secondary protein structure as these residues share similar properties. Additionally, missense mutations in nearby residues have not been reported, indicating that this region of the protein may tolerate change. Therefore, based on the currently available information, it is unclear whether this variant is a pathogenic mutation or a rare benign variant. This variant was found in TAAD,TAADV2-1

NM_005902.4(SMAD3):c.377A>G (p.His126Arg)

Gene: SMAD3 (SMAD family member 3; plus strand). Cytogenetic location: 15q22.33.
Variant type: single nucleotide variant.
Coding change: c.377A>G on transcript NM_005902.4 (MANE Select); coding-DNA position 377, A replaced by G.
Protein change: p.His126Arg; replaces histidine 126 with arginine.
Molecular consequence: missense variant.
Genome position (GRCh38, 1-based): chr15:67,165,065, A>G. VCF-style: chr15-67165065-A-G. GRCh37 (hg19) VCF-style: chr15-67457403-A-G.
Other names: p.H126R:CAC>CGC; c.62A>G, p.His21Arg (NM_001145102.2); c.245A>G, p.His82Arg (NM_001145103.2); short protein forms H126R, H82R, H21R.
Identifiers: ClinVar variation 213802 (VCV000213802.11), dbSNP rs863223766, ClinGen allele CA324009.